The following is an entry in ClinVar:

NM_004629.2(FANCG):c.1161_1163dup (p.Pro389_Gly390insPro)

Gene: FANCG (FA complementation group G; minus strand). Cytogenetic location: 9p13.3.
Variant type: Duplication.
Coding change: c.1161_1163dup on transcript NM_004629.2 (MANE Select); coding-DNA positions 1161 to 1163, 3 bases duplicated (CCC; older notation c.1161_1163dupCCC).
Protein change: p.Pro389_Gly390insPro.
Molecular consequence: inframe insertion.
Genome position (GRCh38, 1-based): chr9:35,075,735-35,075,737, GGG duplicated on the plus strand (CCC on the coding strand, the reverse complement: FANCG is on the minus strand); duplicating any 3 consecutive bases within chr9:35,075,735-35,075,738 gives the same sequence; the c. name uses the placement nearest the transcript's 3' end. VCF-style (leftmost placement, unchanged base first): chr9-35075734-A-AGGG. GRCh37 (hg19) VCF-style: chr9-35075731-A-AGGG.
Identifiers: ClinVar variation 2715079 (VCV002715079.3), dbSNP rs751759113, ClinGen allele CA5039802.

ClinVar aggregate classification (germline): Uncertain significance (1 of 4 stars; one submission).

Conditions:
Fanconi anemia (FA). Also called: Fanconi's anemia. Identifiers: Orphanet 84, MedGen C0015625, MeSH D005199, MONDO:0019391.

Submission:

Labcorp Genetics (formerly Invitae), Labcorp
Classification: Uncertain significance for Fanconi anemia. Last evaluated: 2023-03-27. Review status: criteria provided, single submitter. Criteria: Invitae Variant Classification Sherloc (09022015). Collection method: clinical testing. Allele origin: germline.
Comment: This variant has not been reported in the literature in individuals affected with FANCG-related conditions. This variant is present in population databases (rs751759113, gnomAD no frequency). This variant, c.1161_1163dup, results in the insertion of 1 amino acid(s) of the FANCG protein (p.Pro389dup), but otherwise preserves the integrity of the reading frame. Experimental studies and prediction algorithms are not available or were not evaluated, and the functional significance of this variant is currently unknown. In summary, the available evidence is currently insufficient to determine the role of this variant in disease. Therefore, it has been classified as a Variant of Uncertain Significance.